The following is an entry in ClinVar:

ClinVar aggregate classification (germline): Uncertain significance (1 of 4 stars; one submission).

gnomAD v4.1: 1 of 1,609,810 alleles (0.000062%); highest among the groups gnomAD compares: Admixed American, 0.0017%; no homozygotes.

Submission:

GeneDx
Classification: Uncertain significance. Last evaluated: 2024-04-29. Review status: criteria provided, single submitter. Criteria: GeneDx Variant Classification Process June 2021. Collection method: clinical testing. Allele origin: germline. Affected: yes.
Comment: Not observed at significant frequency in large population cohorts (gnomAD); In silico analysis indicates that this missense variant does not alter protein structure/function; Has not been previously published as pathogenic or benign to our knowledge

NM_001394998.1(TANC2):c.151A>G (p.Thr51Ala)

Gene: TANC2 (tetratricopeptide repeat, ankyrin repeat and coiled-coil containing 2; plus strand). Cytogenetic location: 17q23.2.
Variant type: single nucleotide variant.
Coding change: c.151A>G on transcript NM_001394998.1 (MANE Select); coding-DNA position 151, A replaced by G.
Protein change: p.Thr51Ala; replaces threonine 51 with alanine.
Molecular consequence: missense variant.
Genome position (GRCh38, 1-based): chr17:63,099,186, A>G. VCF-style: chr17-63099186-A-G. GRCh37 (hg19) VCF-style: chr17-61176547-A-G.
Other names: c.151A>G, p.Thr51Ala (NM_001411076.1, NM_025185.4); short protein forms T51A.
Identifiers: ClinVar variation 3373246 (VCV003373246.1).
Genomic context (GRCh38, chr17:63,099,186, plus strand): 5'-AGGCAGGATCTTTTCTCACCAGCTCTTTTGTTCCATCCCCTTCTAACAGGTGGCATCTCC[A>G]CAGAAAGCGACTGTGCTTTTGAGCCAGACTACGCTGTCCCGCCACTTCCAGTGAGTGAAG-3'
Protein context (NP_001381927.1, residues 41-61): QSRSGQGGIS[Thr51Ala]ESDCAFEPDY